The following is an entry in ClinVar:

ClinVar aggregate classification (germline): Uncertain significance (1 of 4 stars; one submission).

Conditions:
Neurofibromatosis, type 1 (NF1). Also called: VON RECKLINGHAUSEN DISEASE; NEUROFIBROMATOSIS, TYPE I, SOMATIC; Peripheral type neurofibromatosis; Neurofibromatosis, type I. Identifiers: Orphanet 636, MedGen C0027831, MONDO:0018975, OMIM 162200. Disease mechanism: loss of function.

gnomAD v4.1: 1 of 1,614,180 alleles (0.000062%); highest among the groups gnomAD compares: Non-Finnish European, 0.000085%; no homozygotes.

Submission:

Labcorp Genetics (formerly Invitae), Labcorp
Classification: Uncertain significance for Neurofibromatosis, type 1. Last evaluated: 2024-04-05. Review status: criteria provided, single submitter. Criteria: Invitae Variant Classification Sherloc (09022015). Collection method: clinical testing. Allele origin: germline.
Comment: This sequence change replaces phenylalanine, which is neutral and non-polar, with cysteine, which is neutral and slightly polar, at codon 1205 of the NF1 protein (p.Phe1205Cys). This variant is not present in population databases (gnomAD no frequency). This variant has not been reported in the literature in individuals affected with NF1-related conditions. ClinVar contains an entry for this variant (Variation ID: 662269). Advanced modeling of protein sequence and biophysical properties (such as structural, functional, and spatial information, amino acid conservation, physicochemical variation, residue mobility, and thermodynamic stability) performed at Invitae indicates that this missense variant is expected to disrupt NF1 protein function with a positive predictive value of 95%. In summary, the available evidence is currently insufficient to determine the role of this variant in disease. Therefore, it has been classified as a Variant of Uncertain Significance.

NM_001042492.3(NF1):c.3614T>G (p.Phe1205Cys)

Gene: NF1 (neurofibromin 1; plus strand). Cytogenetic location: 17q11.2.
Variant type: single nucleotide variant.
Coding change: c.3614T>G on transcript NM_001042492.3 (MANE Select); coding-DNA position 3614, T replaced by G.
Protein change: p.Phe1205Cys; replaces phenylalanine 1205 with cysteine.
Molecular consequence: missense variant.
Genome position (GRCh38, 1-based): chr17:31,233,119, T>G. VCF-style: chr17-31233119-T-G. GRCh37 (hg19) VCF-style: chr17-29560137-T-G.
Other names: c.3614T>G, p.Phe1205Cys (NM_000267.4); short protein forms F1205C.
Identifiers: ClinVar variation 662269 (VCV000662269.5), dbSNP rs1597720068, ClinGen allele CA398990310.
Genomic context (GRCh38, chr17:31,233,119, plus strand): 5'-AAATCCTTCAACAAGGCACAGAATTTGACACACTTGCAGAAACAGTATTGGCTGATCGGT[T>G]TGAGAGATTGGTGGAACTGGTCACAATGATGGGTGATCAAGGAGAACTCCCTATAGCGAT-3'
Protein context (NP_001035957.1, residues 1195-1215): TLAETVLADR[Phe1205Cys]ERLVELVTMM